The following is an entry in ClinVar:

NM_207352.4(CYP4V2):c.292C>T (p.Pro98Ser)

Gene: CYP4V2 (cytochrome P450 family 4 subfamily V member 2; plus strand). Cytogenetic location: 4q35.1.
Variant type: single nucleotide variant.
Coding change: c.292C>T on transcript NM_207352.4 (MANE Select); coding-DNA position 292, C replaced by T.
Protein change: p.Pro98Ser; replaces proline 98 with serine.
Molecular consequence: missense variant.
Genome position (GRCh38, 1-based): chr4:186,194,577, C>T. VCF-style: chr4-186194577-C-T. GRCh37 (hg19) VCF-style: chr4-187115731-C-T.
Other names: short protein forms P98S.
Identifiers: ClinVar variation 1958068 (VCV001958068.5), dbSNP rs1402621376, ClinGen allele CA358946961.
Genomic context (GRCh38, chr4:186,194,577, plus strand): 5'-ATTGAGTACACAGAGGAATACCGCCACATGCCGCTGCTGAAGCTCTGGGTCGGGCCAGTG[C>T]CCATGGTGGCCCTTTATAATGCAGAAAATGTGGAGGTGGGTACATGTGAATATGATCAGT-3'
Protein context (NP_997235.3, residues 88-108): PLLKLWVGPV[Pro98Ser]MVALYNAENV

ClinVar aggregate classification (germline): Uncertain significance (1 of 4 stars; one submission).

Allele frequency attached by ClinVar (database versions not stated): gnomAD exomes below 0.00001; gnomAD 0.00001.
gnomAD v4.1: 3 of 1,613,980 alleles (0.00019%); highest among the groups gnomAD compares: African/African-American, 0.0027%; no homozygotes.

Submission:

Labcorp Genetics (formerly Invitae), Labcorp
Classification: Uncertain significance. Last evaluated: 2022-10-18. Review status: criteria provided, single submitter. Criteria: Invitae Variant Classification Sherloc (09022015). Collection method: clinical testing. Allele origin: germline.
Comment: In summary, the available evidence is currently insufficient to determine the role of this variant in disease. Therefore, it has been classified as a Variant of Uncertain Significance. Algorithms developed to predict the effect of missense changes on protein structure and function (SIFT, PolyPhen-2, Align-GVGD) all suggest that this variant is likely to be disruptive. This variant has not been reported in the literature in individuals affected with CYP4V2-related conditions. The frequency data for this variant in the population databases is considered unreliable, as metrics indicate poor data quality at this position in the gnomAD database. This sequence change replaces proline, which is neutral and non-polar, with serine, which is neutral and polar, at codon 98 of the CYP4V2 protein (p.Pro98Ser).